The following is an entry in ClinVar:

ClinVar aggregate classification (germline): Pathogenic (1 of 4 stars; one submission).

Conditions:
Fanconi anemia (FA). Also called: Fanconi's anemia. Identifiers: Orphanet 84, MedGen C0015625, MeSH D005199, MONDO:0019391.

Submission:

Labcorp Genetics (formerly Invitae), Labcorp
Classification: Pathogenic for Fanconi anemia. Last evaluated: 2020-06-23. Review status: criteria provided, single submitter. Criteria: Invitae Variant Classification Sherloc (09022015). Collection method: clinical testing. Allele origin: germline.
Comment: For these reasons, this variant has been classified as Pathogenic. Loss-of-function variants in FANCM are known to be pathogenic (PMID: 29895858, 30075111). This variant has been observed in individual(s) with breast and/or ovarian cancer (PMID: 27913932). This variant is not present in population databases (ExAC no frequency). This sequence change creates a premature translational stop signal (p.Val286Leufs*30) in the FANCM gene. It is expected to result in an absent or disrupted protein product.

Literature cited by the submitters: PubMed 29895858; PubMed 30075111; PubMed 27913932.

NM_020937.4(FANCM):c.855del (p.Val286fs)

Gene: FANCM (FA complementation group M; plus strand). Cytogenetic location: 14q21.2.
Variant type: Deletion.
Coding change: c.855del on transcript NM_020937.4 (MANE Select); coding-DNA position 855, one base deleted (A; older notation c.855delA).
Protein change: p.Val286fs; shifts the reading frame from valine 286.
Molecular consequence: frameshift variant.
Genome position (GRCh38, 1-based): chr14:45,148,932, A deleted; the last of 4 consecutive A bases (chr14:45,148,929-45,148,932); deleting any one gives the same sequence. VCF-style (leftmost placement, unchanged base first): chr14-45148928-GA-G. GRCh37 (hg19) VCF-style: chr14-45618131-GA-G.
Other names: c.777del, p.Val260fs (NM_001308133.2); c.855del, p.Val286fs (NM_001308134.2); short protein forms V260fs, V286fs.
Identifiers: ClinVar variation 1074311 (VCV001074311.9), dbSNP rs2139151883, ClinGen allele CA2499222624.